The following is an entry in ClinVar:

NM_015909.4(NBAS):c.3627C>T (p.Ala1209=)

Gene: NBAS (NBAS subunit of NRZ tethering complex; minus strand). Cytogenetic location: 2p24.3.
Variant type: single nucleotide variant.
Coding change: c.3627C>T on transcript NM_015909.4 (MANE Select); coding-DNA position 3627, C replaced by T.
Protein change: p.Ala1209=; no amino-acid change (alanine 1209 retained).
Molecular consequence: synonymous variant. On other transcripts: non-coding transcript variant (1).
Genome position (GRCh38, 1-based): chr2:15,374,684, G>A on the plus strand (C>T on the coding strand, the complement: NBAS is on the minus strand). VCF-style: chr2-15374684-G-A. GRCh37 (hg19) VCF-style: chr2-15514808-G-A.
Other names: c.3627C>T (NM_015909.3).
Identifiers: ClinVar variation 1600379 (VCV001600379.11), dbSNP rs369384199, ClinGen allele CA1535967.

ClinVar aggregate classification (germline): Benign/Likely benign. Review status: criteria provided, multiple submitters, no conflicts (2 of 4 stars). 3 submissions from 3 submitters: Benign (1); Likely benign (1). 1 of the submissions does not count toward it. Last evaluated 2026-01-26.

Conditions:
NBAS-related disorder. Also called: NBAS-related condition.

Allele frequency attached by ClinVar (database versions not stated): gnomAD 0.00013 and 0.00017; TOPMed 0.00019; ExAC 0.00040; 1000 Genomes Project 30x 0.00078; 1000 Genomes Project 0.00100.
gnomAD v4.1: 163 of 1,613,906 alleles (0.01%); highest among the groups gnomAD compares: East Asian, 0.34%; no homozygotes.

Submissions (3):

Labcorp Genetics (formerly Invitae), Labcorp
Classification: Benign. Last evaluated: 2026-01-26. Review status: criteria provided, single submitter. Criteria: Invitae Variant Classification Sherloc (09022015). Collection method: clinical testing. Allele origin: germline.

Blueprint Genetics
Classification: Likely benign. Last evaluated: 2024-06-05. Review status: criteria provided, single submitter. Criteria: ACMG Guidelines, 2015. Collection method: clinical testing. Allele origin: germline.

PreventionGenetics, part of Exact Sciences
Classification: Likely benign for NBAS-related condition. Last evaluated: 2023-08-01. Review status: no assertion criteria provided. Collection method: clinical testing. Allele origin: germline. Not counted in ClinVar's aggregate classification.
Comment: This variant is classified as likely benign based on ACMG/AMP sequence variant interpretation guidelines (Richards et al. 2015 PMID: 25741868, with internal and published modifications).